The following is an entry in ClinVar:

ClinVar aggregate classification (germline): Uncertain significance. Review status: criteria provided, multiple submitters, no conflicts (2 of 4 stars). 2 submissions from 2 submitters: Uncertain significance (2). Last evaluated 2026-04-20.

Conditions:
Inborn genetic diseases. Identifiers: MedGen C0950123, MeSH D030342.

Allele frequency attached by ClinVar (database versions not stated): TOPMed 0.00001; gnomAD 0.00001.
gnomAD v4.1: 9 of 1,613,930 alleles (0.00056%); highest among the groups gnomAD compares: East Asian, 0.0022%; no homozygotes.

Submissions (2):

Ambry Genetics
Classification: Uncertain significance for Inborn genetic diseases. Last evaluated: 2026-04-20. Review status: criteria provided, single submitter. Criteria: Ambry Variant Classification Scheme 2023. Collection method: clinical testing. Allele origin: germline.

Labcorp Genetics (formerly Invitae), Labcorp
Classification: Uncertain significance. Last evaluated: 2023-12-26. Review status: criteria provided, single submitter. Criteria: Invitae Variant Classification Sherloc (09022015). Collection method: clinical testing. Allele origin: germline.
Comment: This sequence change replaces valine, which is neutral and non-polar, with methionine, which is neutral and non-polar, at codon 135 of the LMX1B protein (p.Val135Met). This variant is present in population databases (no rsID available, gnomAD 0.002%). This variant has not been reported in the literature in individuals affected with LMX1B-related conditions. Advanced modeling of protein sequence and biophysical properties (such as structural, functional, and spatial information, amino acid conservation, physicochemical variation, residue mobility, and thermodynamic stability) performed at Invitae indicates that this missense variant is expected to disrupt LMX1B protein function with a positive predictive value of 80%. In summary, the available evidence is currently insufficient to determine the role of this variant in disease. Therefore, it has been classified as a Variant of Uncertain Significance.

NM_001174147.2(LMX1B):c.403G>A (p.Val135Met)

Gene: LMX1B (LIM homeobox transcription factor 1 beta; plus strand). Cytogenetic location: 9q33.3.
Variant type: single nucleotide variant.
Coding change: c.403G>A on transcript NM_001174147.2 (MANE Select); coding-DNA position 403, G replaced by A.
Protein change: p.Val135Met; replaces valine 135 with methionine.
Molecular consequence: missense variant.
Genome position (GRCh38, 1-based): chr9:126,690,912, G>A. VCF-style: chr9-126690912-G-A. GRCh37 (hg19) VCF-style: chr9-129453191-G-A.
Other names: c.403G>A, p.Val135Met (NM_001174146.2, NM_002316.4); c.403G>A (NM_002316.3); short protein forms V135M.
Identifiers: ClinVar variation 2881602 (VCV002881602.4), dbSNP rs920920653, ClinGen allele CA199810231.
Genomic context (GRCh38, chr9:126,690,912, plus strand): 5'-TGCAGCGGCTGCATGGAGAAGATCGCCCCCACCGAGTTCGTGATGCGGGCGCTGGAGTGC[G>A]TGTACCACCTGGGCTGCTTCTGCTGCTGCGTGTGTGAACGGCAGCTACGCAAGGGCGACG-3'
Protein context (NP_001167618.1, residues 125-145): TEFVMRALEC[Val135Met]YHLGCFCCCV